The following is an entry in ClinVar:

ClinVar aggregate classification (germline): Pathogenic/Likely pathogenic. Review status: criteria provided, multiple submitters, no conflicts (2 of 4 stars). 4 submissions from 4 submitters: Pathogenic (1); Likely pathogenic (2). 1 of the submissions does not count toward it. Last evaluated 2025-10-07.

Conditions:
Usher syndrome. Also called: Usher Syndromes; Usher's syndrome. Identifiers: Orphanet 886, MedGen CN469326, MeSH D052245, MONDO:0019501. Disease mechanism: loss of function.
Usher syndrome type 1 (USH1). Also called: RETINITIS PIGMENTOSA AND CONGENITAL DEAFNESS. Identifiers: Orphanet 231169, Orphanet 886, MedGen C1568247, MONDO:0010168, OMIM 276900.
Autosomal recessive nonsyndromic hearing loss 2. Also called: DEAFNESS, AUTOSOMAL RECESSIVE 2; NEUROSENSORY NONSYNDROMIC RECESSIVE DEAFNESS 2. Identifiers: Orphanet 90636, MedGen C1838701, MONDO:0010807, OMIM 600060.
Autosomal dominant nonsyndromic hearing loss 11. Identifiers: Orphanet 90635, MedGen C1832475, MONDO:0011032, OMIM 601317.
Usher syndrome type 1B (USH1B). Also called: Usher syndrome type IB. Identifiers: MedGen C1848638, MONDO:0700087.

Submissions (4):

Natera, Inc.
Classification: Likely pathogenic for Usher syndrome type 1B. Last evaluated: 2025-10-07. Review status: criteria provided, single submitter. Criteria: Natera Variant Classification Schema (03/2026). Collection method: clinical testing. Allele origin: germline.
Comment: The c.5146_5148delGAG variant in MYO7A is an in-frame deletion predicted to remove glutamic acid at amino acid 1716 while preserving the reading frame. This variant is rare in the general population with a frequency below the threshold expected for the associated phenotype(s). This variant has been observed to segregate in affected family members (PMID: 18181211). This variant results in a change to the protein length while preserving reading frame, which may disrupt normal protein structure or function. Computational prediction algorithms indicate this variant is likely to affect gene or protein function. Given the available evidence, this variant is classified as Likely Pathogenic.

Women's Health and Genetics/Laboratory Corporation of America, LabCorp
Classification: Pathogenic for Usher syndrome. Last evaluated: 2023-04-27. Review status: criteria provided, single submitter. Criteria: LabCorp Variant Classification Summary - May 2015. Collection method: clinical testing. Allele origin: germline.
Comment: Variant summary: MYO7A c.5146_5148delGAG (p.Glu1716del) results in an in-frame deletion that is predicted to remove 1 amino acid from the encoded protein. The variant was absent in 159352 control chromosomes. c.5146_5148delGAG has been reported in the literature in multiple individuals affected with autosomal recessive non-syndromic congenital deafness with evidence of segregation (example: Riazuddin_2008). These data indicate that the variant is very likely to be associated with disease. GFP-myosin VIIa protein engineered to have an equivalent DFNB2 mutation to p.E1716del localizes correctly in transfected mouse hair cells, suggesting potentially less severe phenotype (Riazuddin_2008). The following publication has been ascertained in the context of this evaluation (PMID: 18181211). One clinical diagnostic laboratory has submitted clinical-significance assessments for this variant to ClinVar after 2014 without evidence for independent evaluation. One laboratory classified the variant as pathogenic. Based on the evidence outlined above, the variant was classified as pathogenic.

Juno Genomics, Hangzhou Juno Genomics, Inc
Classification: Likely pathogenic for Autosomal dominant nonsyndromic hearing loss 11; Autosomal recessive nonsyndromic hearing loss 2; Usher syndrome type 1. Review status: criteria provided, single submitter. Criteria: ACMG Guidelines, 2015. Collection method: clinical testing. Allele origin: germline. Affected: yes.
Comment: Absent from controls (or at extremely low frequency if recessive) in Genome Aggregation Database, Exome Sequencing Project, 1000 Genomes Project, or Exome Aggregation Consortium.;Co-segregation with disease in multiple affected family members in a gene definitively known to cause the disease.;For recessive disorders, detected in trans with a pathogenic variant.

OMIM
Classification: Pathogenic for DEAFNESS, AUTOSOMAL RECESSIVE 2. Last evaluated: 2008-04-01. Review status: no assertion criteria provided. Collection method: literature only. Allele origin: germline. Not counted in ClinVar's aggregate classification.

Literature cited by the submitters: PubMed 18181211 (cited by 3 submitters).

NM_000260.4(MYO7A):c.5143GAG[1] (p.Glu1716del)

Gene: MYO7A (myosin VIIA; plus strand). Cytogenetic location: 11q13.5.
Variant type: Microsatellite.
Coding change: c.5143GAG[1] on transcript NM_000260.4 (MANE Select); one copy of the 3-base unit GAG starting at c.5143; the reference has two copies in a row; one copy, 3 bases deleted; also written c.5146_5148del.
Protein change: p.Glu1716del; deletes glutamic acid 1716.
Molecular consequence: inframe deletion.
Genome position (GRCh38, 1-based): chr11:77,202,402-77,202,404, GAG deleted; deleting any 3 consecutive bases within chr11:77,202,398-77,202,404 gives the same sequence; the position shown is the placement nearest the transcript's 3' end. VCF-style (leftmost placement, unchanged base first): chr11-77202397-TGGA-T. GRCh37 (hg19) VCF-style: chr11-76913442-TGGA-T.
Other names: c.5029GAG[1], p.Glu1678del (NM_001127180.2); c.4996GAG[1], p.Glu1667del (NM_001369365.1); c.5146_5148del (NM_000260.4); short protein forms E1716del, E1678del, E1667del.
Identifiers: ClinVar variation 11864 (VCV000011864.5), dbSNP rs1555102843, ClinGen allele CA658656132.